The following is an entry in ClinVar:

ClinVar aggregate classification (germline): Uncertain significance (1 of 4 stars; one submission).

Allele frequency attached by ClinVar (database versions not stated): gnomAD exomes below 0.00001; gnomAD 0.00001; TOPMed 0.00002; 1000 Genomes Project 30x 0.00016; 1000 Genomes Project 0.00020.
gnomAD v4.1: 4 of 1,613,440 alleles (0.00025%); highest among the groups gnomAD compares: Admixed American, 0.005%; no homozygotes.

Submission:

Labcorp Genetics (formerly Invitae), Labcorp
Classification: Uncertain significance. Last evaluated: 2023-08-07. Review status: criteria provided, single submitter. Criteria: Invitae Variant Classification Sherloc (09022015). Collection method: clinical testing. Allele origin: germline.
Comment: This variant has not been reported in the literature in individuals affected with JAK2-related conditions. In summary, the available evidence is currently insufficient to determine the role of this variant in disease. Therefore, it has been classified as a Variant of Uncertain Significance. Advanced modeling of protein sequence and biophysical properties (such as structural, functional, and spatial information, amino acid conservation, physicochemical variation, residue mobility, and thermodynamic stability) has been performed at Invitae for this missense variant, however the output from this modeling did not meet the statistical confidence thresholds required to predict the impact of this variant on JAK2 protein function. This variant is present in population databases (rs200778413, gnomAD 0.003%). This sequence change replaces lysine, which is basic and polar, with arginine, which is basic and polar, at codon 253 of the JAK2 protein (p.Lys253Arg).

NM_004972.4(JAK2):c.758A>G (p.Lys253Arg)

Genes: INSL6 (insulin like 6; minus strand), JAK2 (Janus kinase 2; plus strand). Cytogenetic location: 9p24.1.
Variant type: single nucleotide variant.
Coding change: c.758A>G on transcript NM_004972.4 (MANE Select); coding-DNA position 758, A replaced by G.
Protein change: p.Lys253Arg; replaces lysine 253 with arginine.
Molecular consequence: missense variant. On other transcripts: non-coding transcript variant (2), 5 prime UTR variant (2).
Genome position (GRCh38, 1-based): chr9:5,054,706, A>G. VCF-style: chr9-5054706-A-G. GRCh37 (hg19) VCF-style: chr9-5054706-A-G.
Other names: c.758A>G, p.Lys253Arg (NM_001322194.2, NM_001322195.2, NM_001322196.2); c.-363A>G (NM_001322198.2, NM_001322199.2); c.311A>G, p.Lys104Arg (NM_001322204.2); short protein forms K253R, K104R.
Identifiers: ClinVar variation 2858126 (VCV002858126.3), dbSNP rs200778413, ClinGen allele CA188412376.